The following is an entry in ClinVar:

NM_000096.4(CP):c.780T>C (p.Tyr260=)

Gene: CP (ceruloplasmin; minus strand). Cytogenetic location: 3q25.1.
Variant type: single nucleotide variant.
Coding change: c.780T>C on transcript NM_000096.4 (MANE Select); coding-DNA position 780, T replaced by C.
Protein change: p.Tyr260=; no amino-acid change (tyrosine 260 retained).
Molecular consequence: synonymous variant. On other transcripts: non-coding transcript variant (1).
Genome position (GRCh38, 1-based): chr3:149,209,212, A>G on the plus strand (T>C on the coding strand, the complement: CP is on the minus strand). VCF-style: chr3-149209212-A-G. GRCh37 (hg19) VCF-style: chr3-148926999-A-G.
Identifiers: ClinVar variation 1879596 (VCV001879596.29), dbSNP rs759309863, ClinGen allele CA2661247.

ClinVar aggregate classification (germline): Likely benign (1 of 4 stars; one submission).

Allele frequency attached by ClinVar (database versions not stated): gnomAD exomes below 0.00001; ExAC 0.00001.
gnomAD v4.1: 1 of 1,613,710 alleles (0.000062%); highest among the groups gnomAD compares: Admixed American, 0.0017%; no homozygotes.

Submission:

CeGaT Center for Human Genetics Tuebingen
Classification: Likely benign. Last evaluated: 2022-11-01. Review status: criteria provided, single submitter. Criteria: CeGaT Center For Human Genetics Tuebingen Variant Classification Criteria Version 2. Collection method: clinical testing. Allele origin: germline. Affected: yes. Observed: 1 variant allele.
Comment: CP: BP7